The following is an entry in ClinVar:

ClinVar aggregate classification (germline): Uncertain significance (1 of 4 stars; one submission).

Conditions:
NR0B1-related disorder.

Submission:

PreventionGenetics, part of Exact Sciences
Classification: Uncertain significance for NR0B1-related condition. Last evaluated: 2024-11-20. Review status: criteria provided, single submitter. Criteria: ACMG Guidelines, 2015. Collection method: clinical testing. Allele origin: germline.
Comment: The NR0B1 c.606C>G variant is predicted to result in the amino acid substitution p.Cys202Trp. To our knowledge, this variant has not been reported in the literature. In gnomAD v4 (available only on GRCh38), this variant is reported in 0.0021% of alleles, including one hemizygote. At this time, the clinical significance of this variant is uncertain due to the absence of conclusive functional and genetic evidence.

NM_000475.5(NR0B1):c.606C>G (p.Cys202Trp)

Gene: NR0B1 (nuclear receptor subfamily 0 group B member 1; minus strand). Cytogenetic location: Xp21.2.
Variant type: single nucleotide variant.
Coding change: c.606C>G on transcript NM_000475.5 (MANE Select); coding-DNA position 606, C replaced by G.
Protein change: p.Cys202Trp; replaces cysteine 202 with tryptophan.
Molecular consequence: missense variant.
Genome position (GRCh38, 1-based): chrX:30,308,758, G>C on the plus strand (C>G on the coding strand, the complement: NR0B1 is on the minus strand). VCF-style: chrX-30308758-G-C. GRCh37 (hg19) VCF-style: chrX-30326875-G-C.
Other names: short protein forms C202W.
Identifiers: ClinVar variation 4981848 (VCV004981848.1).